The following is an entry in ClinVar:

NM_153212.3(GJB4):c.215C>T (p.Ser72Phe)

Gene: GJB4 (gap junction protein beta 4; plus strand). Cytogenetic location: 1p34.3.
Variant type: single nucleotide variant.
Coding change: c.215C>T on transcript NM_153212.3 (MANE Select); coding-DNA position 215, C replaced by T.
Protein change: p.Ser72Phe; replaces serine 72 with phenylalanine.
Molecular consequence: missense variant.
Genome position (GRCh38, 1-based): chr1:34,761,469, C>T. VCF-style: chr1-34761469-C-T. GRCh37 (hg19) VCF-style: chr1-35227070-C-T.
Other names: short protein forms S72F.
Identifiers: ClinVar variation 1485338 (VCV001485338.6), dbSNP rs777741736, ClinGen allele CA754513.

ClinVar aggregate classification (germline): Uncertain significance (1 of 4 stars; one submission).

Allele frequency attached by ClinVar (database versions not stated): gnomAD exomes below 0.00001 and 0.00001; ExAC 0.00001; gnomAD 0.00001; TOPMed 0.00001.

Submission:

Labcorp Genetics (formerly Invitae), Labcorp
Classification: Uncertain significance. Last evaluated: 2021-08-03. Review status: criteria provided, single submitter. Criteria: Invitae Variant Classification Sherloc (09022015). Collection method: clinical testing. Allele origin: germline.
Comment: In summary, the available evidence is currently insufficient to determine the role of this variant in disease. Therefore, it has been classified as a Variant of Uncertain Significance. Algorithms developed to predict the effect of missense changes on protein structure and function (SIFT, PolyPhen-2, Align-GVGD) all suggest that this variant is likely to be disruptive. This variant has not been reported in the literature in individuals affected with GJB4-related conditions. This variant is present in population databases (rs777741736, ExAC 0.01%). This sequence change replaces serine with phenylalanine at codon 72 of the GJB4 protein (p.Ser72Phe). The serine residue is highly conserved and there is a large physicochemical difference between serine and phenylalanine.